The following is an entry in ClinVar:

NM_000214.3(JAG1):c.925G>C (p.Gly309Arg)

Gene: JAG1 (jagged canonical Notch ligand 1; minus strand). Cytogenetic location: 20p12.2.
Variant type: single nucleotide variant.
Coding change: c.925G>C on transcript NM_000214.3 (MANE Select); coding-DNA position 925, G replaced by C.
Protein change: p.Gly309Arg; replaces glycine 309 with arginine.
Molecular consequence: missense variant.
Genome position (GRCh38, 1-based): chr20:10,652,212, C>G on the plus strand (G>C on the coding strand, the complement: JAG1 is on the minus strand). VCF-style: chr20-10652212-C-G. GRCh37 (hg19) VCF-style: chr20-10632860-C-G.
Other names: c.925G>C, p.Gly309Arg (LRG_1191t1); short protein forms G309R.
Identifiers: ClinVar variation 518844 (VCV000518844.17), dbSNP rs750195672, ClinGen allele CA9765009.

ClinVar aggregate classification (germline): Conflicting classifications of pathogenicity. Review status: criteria provided, conflicting classifications (1 of 4 stars). 5 submissions from 5 submitters: Uncertain significance (3); Likely benign (1). 1 of the submissions does not count toward it. Last evaluated 2025-09-16.

Conditions:
Cardiovascular phenotype. Identifiers: MedGen CN230736.
JAG1-related disorder. Also called: JAG1-related disorders; JAG1-related condition.
Alagille syndrome due to a JAG1 point mutation. Also called: Alagille Syndrome 1; JAG1-Related Alagille Syndrome; HEPATIC DUCTULAR HYPOPLASIA, SYNDROMATIC. Identifiers: Orphanet 261619, Orphanet 52, MedGen C1956125, MONDO:0016862, OMIM 118450.
Charcot-Marie-Tooth disease, axonal, Type 2HH. Also called: CHARCOT-MARIE-TOOTH NEUROPATHY, TYPE 2HH. Identifiers: MedGen C5562003, MONDO:0030458, OMIM 619574.

Allele frequency attached by ClinVar (database versions not stated): TOPMed 0.00013.
gnomAD v4.1: 61 of 1,613,934 alleles (0.0038%); highest among the groups gnomAD compares: Admixed American, 0.04%; no homozygotes.

Submissions (5):

Labcorp Genetics (formerly Invitae), Labcorp
Classification: Uncertain significance for Alagille syndrome due to a JAG1 point mutation. Last evaluated: 2025-09-16. Review status: criteria provided, single submitter. Criteria: Invitae Variant Classification Sherloc (09022015). Collection method: clinical testing. Allele origin: germline.
Comment: This sequence change replaces glycine, which is neutral and non-polar, with arginine, which is basic and polar, at codon 309 of the JAG1 protein (p.Gly309Arg). This variant is present in population databases (rs750195672, gnomAD 0.02%). This missense change has been observed in individual(s) with JAG1-related conditions (PMID: 22040217, 36964972). ClinVar contains an entry for this variant (Variation ID: 518844). Invitae Evidence Modeling of protein sequence and biophysical properties (such as structural, functional, and spatial information, amino acid conservation, physicochemical variation, residue mobility, and thermodynamic stability) indicates that this missense variant is not expected to disrupt JAG1 protein function with a negative predictive value of 80%. In summary, the available evidence is currently insufficient to determine the role of this variant in disease. Therefore, it has been classified as a Variant of Uncertain Significance.

Blueprint Genetics
Classification: Likely benign. Last evaluated: 2024-11-27. Review status: criteria provided, single submitter. Criteria: ACMG Guidelines, 2015. Collection method: clinical testing. Allele origin: germline.

Department of Pathology and Laboratory Medicine, Sinai Health System
Classification: Uncertain significance for Alagille syndrome due to a JAG1 point mutation; Charcot-Marie-Tooth disease, axonal, Type 2HH. Last evaluated: 2023-02-09. Review status: criteria provided, single submitter. Criteria: ACMG Guidelines, 2015. Collection method: research. Allele origin: germline.

Ambry Genetics
Classification: Uncertain significance for Cardiovascular phenotype. Last evaluated: 2018-03-07. Review status: criteria provided, single submitter. Criteria: Ambry Variant Classification Scheme 2023. Collection method: clinical testing. Allele origin: germline.
Comment: The p.G309R variant (also known as c.925G>C), located in coding exon 7 of the JAG1 gene, results from a G to C substitution at nucleotide position 925. The glycine at codon 309 is replaced by arginine, an amino acid with dissimilar properties. In one study, this alteration was detected in an individual with tetralogy of Fallot and some dysmorphic features (Guida V et al. Clin Genet. 2011;80:591-4). This amino acid position is not well conserved in available vertebrate species, and arginine is the reference amino acid in other vertebrate species. In addition, this alteration is predicted to be deleterious by in silico analysis. Since supporting evidence is limited at this time, the clinical significance of this alteration remains unclear.

PreventionGenetics, part of Exact Sciences
Classification: Uncertain significance for JAG1-related condition. Last evaluated: 2024-04-11. Review status: no assertion criteria provided. Collection method: clinical testing. Allele origin: germline. Not counted in ClinVar's aggregate classification.
Comment: The JAG1 c.925G>C variant is predicted to result in the amino acid substitution p.Gly309Arg. This variant has been reported in an individual with tetralogy of Fallot (Guida et al. 2011. PubMed ID: 22040217) and an individual with an unspecified optic nerve/retinal disorder (Table S12, Diñeiro et al. 2020. PubMed ID: 32483926). This variant is reported in 0.017% of alleles in individuals of Latino descent in gnomAD, which may be too frequent for a pathogenic variant. Although we suspect that this variant may be benign, at this time, the clinical significance of this variant is uncertain due to the absence of conclusive functional and genetic evidence.

Literature cited by the submitters: PubMed 22040217 (cited by Labcorp Genetics (formerly Invitae), Labcorp and Ambry Genetics); PubMed 36964972 (cited by Labcorp Genetics (formerly Invitae), Labcorp).